The following is an entry in ClinVar:

NM_144670.6(A2ML1):c.2663T>A (p.Val888Asp)

Gene: A2ML1 (alpha-2-macroglobulin like 1; plus strand). Cytogenetic location: 12p13.31.
Variant type: single nucleotide variant.
Coding change: c.2663T>A on transcript NM_144670.6 (MANE Select); coding-DNA position 2663, T replaced by A.
Protein change: p.Val888Asp; replaces valine 888 with aspartic acid.
Molecular consequence: missense variant.
Genome position (GRCh38, 1-based): chr12:8,854,200, T>A. VCF-style: chr12-8854200-T-A. GRCh37 (hg19) VCF-style: chr12-9006796-T-A.
Other names: c.1190T>A, p.Val397Asp (NM_001282424.3); short protein forms V397D, V888D.
Identifiers: ClinVar variation 2449337 (VCV002449337.5), dbSNP rs2539264083, ClinGen allele CA383834796.

ClinVar aggregate classification (germline): Uncertain significance. Review status: criteria provided, multiple submitters, no conflicts (2 of 4 stars). 2 submissions from 2 submitters: Uncertain significance (2). Last evaluated 2023-07-15.

Allele frequency attached by ClinVar (database versions not stated): gnomAD exomes below 0.00001.

Submissions (2):

Labcorp Genetics (formerly Invitae), Labcorp
Classification: Uncertain significance. Last evaluated: 2023-07-15. Review status: criteria provided, single submitter. Criteria: Invitae Variant Classification Sherloc (09022015). Collection method: clinical testing. Allele origin: germline.
Comment: This sequence change replaces valine, which is neutral and non-polar, with aspartic acid, which is acidic and polar, at codon 888 of the A2ML1 protein (p.Val888Asp). This variant is not present in population databases (gnomAD no frequency). This variant has not been reported in the literature in individuals affected with A2ML1-related conditions. ClinVar contains an entry for this variant (Variation ID: 2449337). An algorithm developed to predict the effect of missense changes on protein structure and function (PolyPhen-2) suggests that this variant is likely to be disruptive. In summary, the available evidence is currently insufficient to determine the role of this variant in disease. Therefore, it has been classified as a Variant of Uncertain Significance.

Ambry Genetics
Classification: Uncertain significance. Last evaluated: 2022-12-16. Review status: criteria provided, single submitter. Criteria: Ambry Variant Classification Scheme 2023. Collection method: clinical testing. Allele origin: germline.
Comment: The p.V888D variant (also known as c.2663T>A), located in coding exon 21 of the A2ML1 gene, results from a T to A substitution at nucleotide position 2663. The valine at codon 888 is replaced by aspartic acid, an amino acid with highly dissimilar properties. This amino acid position is conserved. In addition, this alteration is predicted to be tolerated by in silico analysis. Since supporting evidence is limited at this time, the clinical significance of this alteration remains unclear.